The following is an entry in ClinVar:

ClinVar aggregate classification (germline): Uncertain significance. Review status: criteria provided, multiple submitters, no conflicts (2 of 4 stars). 4 submissions from 4 submitters: Uncertain significance (4). Last evaluated 2025-12-15.

Conditions:
Cardiovascular phenotype. Identifiers: MedGen CN230736.
Juvenile myelomonocytic leukemia (JMML). Also called: LEUKEMIA, JUVENILE MYELOMONOCYTIC, SOMATIC. Identifiers: Orphanet 86834, MedGen C0349639, MONDO:0011908, OMIM 607785, HP:0012209.
Metachondromatosis (METCDS). Identifiers: Orphanet 2499, MedGen C0410530, MONDO:0007979, OMIM 156250.
Noonan syndrome 1 (NS1). Also called: FEMALE PSEUDO-TURNER SYNDROME; PTPN11-Related Noonan Syndrome; TURNER PHENOTYPE WITH NORMAL KARYOTYPE. Identifiers: Orphanet 648, MedGen C4551602, MONDO:0008104, OMIM 163950. Disease mechanism: gain of function.
LEOPARD syndrome 1 (LPRD1). Also called: PTPN11-Related LEOPARD Syndrome; LENTIGINOSIS, CARDIOMYOPATHIC; MULTIPLE LENTIGINES SYNDROME. Identifiers: Orphanet 500, MedGen C4551484, MONDO:0100082, OMIM 151100.
RASopathy. Also called: Noonan spectrum disorder; rasopathies. Identifiers: Orphanet 536391, MedGen C5555857, MONDO:0021060.

Allele frequency attached by ClinVar (database versions not stated): gnomAD exomes 0.00002 and 0.00005; TOPMed 0.00003; 1000 Genomes Project 30x 0.00031; gnomAD 0.00001; ExAC 0.00002; ESP Exome Variant Server 0.00008; 1000 Genomes Project 0.00020.
gnomAD v4.1: 78 of 1,584,972 alleles (0.0049%); highest among the groups gnomAD compares: East Asian, 0.0089%; no homozygotes.

Submissions (4):

Labcorp Genetics (formerly Invitae), Labcorp
Classification: Uncertain significance for RASopathy. Last evaluated: 2025-12-15. Review status: criteria provided, single submitter. Criteria: Invitae Variant Classification Sherloc (09022015). Collection method: clinical testing. Allele origin: germline.
Comment: This sequence change replaces tyrosine, which is neutral and polar, with cysteine, which is neutral and slightly polar, at codon 375 of the PTPN11 protein (p.Tyr375Cys). This variant is present in population databases (rs41299183, gnomAD 0.006%). This variant has not been reported in the literature in individuals affected with PTPN11-related conditions. ClinVar contains an entry for this variant (Variation ID: 40544). Invitae Evidence Modeling of protein sequence and biophysical properties (such as structural, functional, and spatial information, amino acid conservation, physicochemical variation, residue mobility, and thermodynamic stability) indicates that this missense variant is not expected to disrupt PTPN11 protein function with a negative predictive value of 80%. In summary, the available evidence is currently insufficient to determine the role of this variant in disease. Therefore, it has been classified as a Variant of Uncertain Significance.

Fulgent Genetics
Classification: Uncertain significance for LEOPARD syndrome 1; Metachondromatosis; Noonan syndrome 1; Juvenile myelomonocytic leukemia. Last evaluated: 2021-10-19. Review status: criteria provided, single submitter. Criteria: ACMG Guidelines, 2015. Collection method: clinical testing. Allele origin: unknown.

Ambry Genetics
Classification: Uncertain significance for Cardiovascular phenotype. Last evaluated: 2019-04-05. Review status: criteria provided, single submitter. Criteria: Ambry Variant Classification Scheme 2023. Collection method: clinical testing. Allele origin: germline.

Laboratory for Molecular Medicine, Mass General Brigham Personalized Medicine
Classification: Uncertain significance. Last evaluated: 2010-11-05. Review status: criteria provided, single submitter. Criteria: LMM Criteria. Collection method: clinical testing. Allele origin: germline. Observed: 1 variant allele.
Comment: Variant classified as Uncertain Significance - Favor Benign. The Tyr375Cys varia nt in PTPN11 has not previously been reported in the literature or been observed identified in our laboratory, although it is listed in dbSNP (rs41299183, not v alidated). Tyrosine (Tyr) at amino acid position 375 is not highly conserved in different species, and two different computational analyses predict this variant to have a benign effect on the function of the protein. However, in the absence of additional data, the clinical significance of this variant cannot be determi ned at this time.

NM_002834.5(PTPN11):c.1124A>G (p.Tyr375Cys)

Gene: PTPN11 (protein tyrosine phosphatase non-receptor type 11; plus strand). Cytogenetic location: 12q24.13.
Variant type: single nucleotide variant.
Coding change: c.1124A>G on transcript NM_002834.5 (MANE Select); coding-DNA position 1124, A replaced by G.
Protein change: p.Tyr375Cys; replaces tyrosine 375 with cysteine.
Molecular consequence: missense variant.
Genome position (GRCh38, 1-based): chr12:112,482,105, A>G. VCF-style: chr12-112482105-A-G. GRCh37 (hg19) VCF-style: chr12-112919909-A-G.
Other names: c.1124A>G, p.Tyr375Cys (NM_001330437.2, NM_080601.3); c.1121A>G, p.Tyr374Cys (NM_001374625.1); short protein forms Y375C, Y374C.
Identifiers: ClinVar variation 40544 (VCV000040544.17), dbSNP rs41299183, ClinGen allele CA134632.